The following is an entry in ClinVar:

NM_031885.5(BBS2):c.2107C>T (p.Arg703Ter)

Gene: BBS2 (Bardet-Biedl syndrome 2; minus strand). Cytogenetic location: 16q13.
Variant type: single nucleotide variant.
Coding change: c.2107C>T on transcript NM_031885.5 (MANE Select); coding-DNA position 2107, C replaced by T.
Protein change: p.Arg703Ter; replaces arginine 703 with a stop codon.
Molecular consequence: nonsense. On other transcripts: non-coding transcript variant (5).
Genome position (GRCh38, 1-based): chr16:56,484,820, G>A on the plus strand (C>T on the coding strand, the complement: BBS2 is on the minus strand). VCF-style: chr16-56484820-G-A. GRCh37 (hg19) VCF-style: chr16-56518732-G-A.
Other names: c.2107C>T, p.Arg703Ter (NM_001377456.1); short protein forms R703*.
Identifiers: ClinVar variation 496478 (VCV000496478.32), dbSNP rs567573386, ClinGen allele CA8065521.

ClinVar aggregate classification (germline): Pathogenic/Likely pathogenic. Review status: criteria provided, multiple submitters, no conflicts (2 of 4 stars). 13 submissions from 13 submitters: Pathogenic (7); Likely pathogenic (4). 2 of the submissions do not count toward it. Last evaluated 2026-01-23.

Conditions:
BBS2-related disorder. Also called: BBS2-related condition; BBS2-related disorders. Identifiers: MedGen CN239228.
Retinitis pigmentosa 74 (RP74). Identifiers: Orphanet 791, MedGen C4225281, MONDO:0014692, OMIM 616562.
Bardet-Biedl syndrome 2 (BBS2). Identifiers: Orphanet 110, MedGen C2936863, MONDO:0014432, OMIM 615981.
Inborn genetic diseases. Identifiers: MedGen C0950123, MeSH D030342.
Retinal dystrophy. Also called: Inherited retinal dystrophy. Identifiers: Orphanet 71862, MedGen C0854723, MeSH D058499, MONDO:0019118, HP:0000556.
Bardet-Biedl syndrome (BBS). Identifiers: Orphanet 110, MedGen C0752166, MONDO:0015229.

Allele frequency attached by ClinVar (database versions not stated): TOPMed below 0.00001; gnomAD 0.00001; ExAC 0.00003; gnomAD exomes 0.00003; 1000 Genomes Project 30x 0.00016; 1000 Genomes Project 0.00020.
gnomAD v4.1: 15 of 1,613,992 alleles (0.00093%); highest among the groups gnomAD compares: East Asian, 0.013%; no homozygotes.

Submissions (13):

Natera, Inc.
Classification: Pathogenic for Bardet-Biedl syndrome type 2. Last evaluated: 2026-01-23. Review status: criteria provided, single submitter. Criteria: Natera Variant Classification Schema (03/2026). Collection method: clinical testing. Allele origin: germline.
Comment: The c.2107C>T variant in BBS2 is a nonsense variant predicted to introduce a stop codon at amino acid 703. This variant may result in a truncated or dysfunctional protein product. This variant is rare in the general population with a frequency below the threshold expected for the associated phenotype(s). This variant has been observed in one or more individuals affected with the associated recessive disease, as either homozygous or compound heterozygous with a second variant (PMID: 39988772, 25999675, 21344540, 38584252, 38840299). Given the available evidence, this variant is classified as Pathogenic.

Labcorp Genetics (formerly Invitae), Labcorp
Classification: Pathogenic for Bardet-Biedl syndrome. Last evaluated: 2026-01-06. Review status: criteria provided, single submitter. Criteria: Invitae Variant Classification Sherloc (09022015). Collection method: clinical testing. Allele origin: germline.
Comment: This sequence change creates a premature translational stop signal (p.Arg703*) in the BBS2 gene. While this is not anticipated to result in nonsense mediated decay, it is expected to disrupt the last 19 amino acid(s) of the BBS2 protein. This variant is present in population databases (rs567573386, gnomAD 0.03%). This premature translational stop signal has been observed in individual(s) with BBS2-related disease (PMID: 21344540, 25999675; internal data). ClinVar contains an entry for this variant (Variation ID: 496478). For these reasons, this variant has been classified as Pathogenic.

3billion
Classification: Pathogenic for BBS2-related disorder. Last evaluated: 2025-12-15. Review status: criteria provided, single submitter. Criteria: ACMG Guidelines, 2015. Collection method: clinical testing. Allele origin: germline. Affected: yes.
Comment: The variant is observed at an extremely low frequency in the gnomAD v4.1.0 dataset (total allele frequency: <0.001%). Predicted Consequence/Location: Stop-gained (nonsense): predicted to result in a loss or disruption of normal protein function through protein truncation. The predicted truncated protein may be shortened by less than 10%. The variant has been reported to be in trans with a pathogenic variant as either compound heterozygous or homozygous in at least one similarly affected unrelated individual (PMID: 21344540, 25999675). The variant has been reported at least twice as pathogenic with clinical assertions and evidence for the classification (ClinVar ID: VCV000496478 /PMID: 21344540 /3billion dataset). Therefore, this variant is classified as Pathogenic according to the recommendation of ACMG/AMP guideline.

Variantyx, Inc.
Classification: Pathogenic for Bardet-Biedl syndrome 2. Last evaluated: 2025-05-23. Review status: criteria provided, single submitter. Criteria: Variantyx Assertion Criteria 2022. Collection method: clinical testing. Allele origin: germline. Inheritance: Autosomal recessive inheritance. Affected: yes.
Comment: This is a nonsense variant in the BBS2 gene (OMIM: 606151). Pathogenic variants in this gene have been associated with autosomal recessive Bardet-Biedl syndrome 2. This variant introduces a premature termination codon in exon 17 out of 17 and is expected to result in loss of function, which is a known disease mechanism for BBS2 in this disorder (PVS1). This variant has been identified in the homozygous or compound heterozygous state in at least 2 individuals reported in the published literature (PMID: 25999675, 21344540)(PM3). It has a 0.0134% maximum allele frequency in non-founder control populations (PM2). Based on the current evidence, this variant is classified as pathogenic for autosomal recessive Bardet-Biedl syndrome 2.

Baylor Genetics
Classification: Likely pathogenic for Bardet-Biedl syndrome 2. Last evaluated: 2024-03-20. Review status: criteria provided, single submitter. Criteria: ACMG Guidelines, 2015. Collection method: clinical testing. Allele origin: unknown.

Fulgent Genetics
Classification: Pathogenic for Bardet-Biedl syndrome 2; Retinitis pigmentosa 74. Last evaluated: 2024-02-29. Review status: criteria provided, single submitter. Criteria: ACMG Guidelines, 2015. Collection method: clinical testing. Allele origin: germline.

Blueprint Genetics
Classification: Pathogenic for BBS2-related disorders. Last evaluated: 2022-11-03. Review status: criteria provided, single submitter. Criteria: ACMG Guidelines, 2015. Collection method: clinical testing. Allele origin: germline. Affected: yes. Observed: 5 variant alleles.

Ocular Genomics Institute, Massachusetts Eye and Ear
Classification: Likely pathogenic for Retinitis pigmentosa 74. Last evaluated: 2021-04-08. Review status: criteria provided, single submitter. Criteria: ACMG Guidelines, 2015. Collection method: research. Allele origin: germline. Affected: yes.
Comment: Through a review of available evidence we were able to apply the following criteria: PVS1, PM2. Based on this evidence we have classified this variant as Likely Pathogenic.

Institute of Human Genetics, Univ. Regensburg, Univ. Regensburg
Classification: Pathogenic for Retinal dystrophy. Last evaluated: 2018-01-01. Review status: criteria provided, single submitter. Criteria: ACMG Guidelines, 2015. Collection method: clinical testing. Allele origin: germline. Affected: yes.

Women's Health and Genetics/Laboratory Corporation of America, LabCorp
Classification: Likely pathogenic for Bardet-Biedl syndrome. Last evaluated: 2017-06-22. Review status: criteria provided, single submitter. Criteria: LabCorp Variant Classification Summary - May 2015. Collection method: clinical testing. Allele origin: germline.

Ambry Genetics
Classification: Likely pathogenic for Inborn genetic diseases. Last evaluated: 2017-01-24. Review status: criteria provided, single submitter. Criteria: Ambry exome assertion method (8-5-2015). Collection method: clinical testing. Allele origin: germline. Affected: yes. Observed: 1 variant allele.

PreventionGenetics, part of Exact Sciences
Classification: Likely pathogenic for BBS2-related condition. Last evaluated: 2024-01-08. Review status: no assertion criteria provided. Collection method: clinical testing. Allele origin: germline. Not counted in ClinVar's aggregate classification.
Comment: The BBS2 c.2107C>T variant is predicted to result in premature protein termination (p.Arg703*). This variant has been reported in the homozygous state or with a second BBS2 variant in individuals with Bardet-Biedl syndrome (Deveault et al. 2011. PubMed ID: 21344540; Supplemental Table 1, Forsythe et al. 2016. PubMed ID: 27659767; Table S3, Fu et al. 2022. PubMed ID: 36307859) and reported in the homozygous state in an individual with retinitis pigmentosa (Xu et al. 2015. PubMed ID: 25999675). In addition, at PreventionGenetics, this variant has been seen in the homozygous or compound heterozygous states in individuals with features of Bardet-Biedl syndrome (Internal Data). This variant is reported in 0.027% of alleles in individuals of East Asian descent in a large population database. Nonsense variants in BBS2 are expected to be pathogenic. This variant is interpreted as likely pathogenic.

Counsyl
Classification: Likely pathogenic for Bardet-Biedl syndrome 2. Last evaluated: 2017-05-15. Review status: no assertion criteria provided. Collection method: clinical testing. Allele origin: unknown. Not counted in ClinVar's aggregate classification.

Literature cited by the submitters: PubMed 39988772 (cited by Natera, Inc.); PubMed 25999675 (cited by 6 submitters); PubMed 21344540 (cited by 7 submitters); PubMed 38584252 (cited by Natera, Inc.); PubMed 38840299 (cited by Natera, Inc.); PubMed 25525159 (cited by Institute of Human Genetics, Univ. Regensburg, Univ. Regensburg); PubMed 31589614 (cited by Institute of Human Genetics, Univ. Regensburg, Univ. Regensburg); PubMed 31054281 (cited by Institute of Human Genetics, Univ. Regensburg, Univ. Regensburg); PubMed 31964843 (cited by Institute of Human Genetics, Univ. Regensburg, Univ. Regensburg); PubMed 36307859 (cited by Institute of Human Genetics, Univ. Regensburg, Univ. Regensburg); PubMed 25988237 (cited by Women's Health and Genetics/Laboratory Corporation of America, LabCorp); PubMed 27659767 (cited by Counsyl).